The following is an entry in ClinVar:

ClinVar aggregate classification (germline): Pathogenic/Likely pathogenic. Review status: criteria provided, multiple submitters, no conflicts (2 of 4 stars). 5 submissions from 5 submitters: Pathogenic (4); Likely pathogenic (1). Last evaluated 2025-02-13.

Conditions:
Familial prostate cancer. Also called: Hereditary Prostate Cancer. Identifiers: MedGen C2931456, MONDO:0700275, OMIM 176807.
Hereditary cancer-predisposing syndrome. Also called: Neoplastic Syndromes, Hereditary; Hereditary Cancer Syndrome; Tumor predisposition; Hereditary neoplastic syndrome. Identifiers: Orphanet 140162, MedGen C0027672, MeSH D009386, MONDO:0015356.
Ataxia-telangiectasia syndrome (AT). Also called: LOUIS-BAR SYNDROME; Cerebello-oculocutaneous telangiectasia; Immunodeficiency with ataxia telangiectasia; Ataxia-telangiectasia, complementation group D; AT, COMPLEMENTATION GROUP C; Ataxia-telangiectasia, complementation group E. Identifiers: Orphanet 100, MedGen C0004135, MONDO:0008840, OMIM 208900.
Familial cancer of breast. Also called: Hereditary breast cancer; BREAST CANCER, FAMILIAL; hereditary breast carcinoma. Identifiers: Orphanet 227535, MedGen C0346153, MONDO:0016419, OMIM 114480. Disease mechanism: loss of function.

Allele frequency attached by ClinVar (database versions not stated): gnomAD exomes below 0.00001.

Submissions (5):

Ambry Genetics
Classification: Pathogenic for Hereditary cancer-predisposing syndrome. Last evaluated: 2025-02-13. Review status: criteria provided, single submitter. Criteria: Ambry Variant Classification Scheme 2023. Collection method: clinical testing. Allele origin: germline.
Comment: The c.6369_6370delTT pathogenic mutation, located in coding exon 43 of the ATM gene, results from a deletion of two nucleotides at nucleotide positions 6369 to 6370, causing a translational frameshift with a predicted alternate stop codon (p.S2123Rfs*3). This variant is considered to be rare based on population cohorts in the Genome Aggregation Database (gnomAD). This alteration is expected to result in loss of function by premature protein truncation or nonsense-mediated mRNA decay. As such, this alteration is interpreted as a disease-causing mutation.

Women's Health and Genetics/Laboratory Corporation of America, LabCorp
Classification: Pathogenic for Familial prostate cancer. Last evaluated: 2024-03-06. Review status: criteria provided, single submitter. Criteria: LabCorp Variant Classification Summary - May 2015. Collection method: clinical testing. Allele origin: germline.
Comment: Variant summary: ATM c.6369_6370delTT (p.Ser2123ArgfsX3) results in a premature termination codon, predicted to cause a truncation of the encoded protein or absence of the protein due to nonsense mediated decay, which are commonly known mechanisms for disease. The variant was absent in 249538 control chromosomes. To our knowledge, no occurrence of c.6369_6370delTT in individuals affected with Prostate Cancer and no experimental evidence demonstrating its impact on protein function have been reported. ClinVar contains an entry for this variant (Variation ID: 479029). Based on the evidence outlined above, the variant was classified as pathogenic.

Myriad Genetics, Inc.
Classification: Pathogenic for Familial cancer of breast. Last evaluated: 2024-01-29. Review status: criteria provided, single submitter. Criteria: Myriad Autosomal Dominant, Autosomal Recessive and X-Linked Classification Criteria (2023). Collection method: clinical testing. Allele origin: unknown.
Comment: This variant is considered pathogenic. This variant creates a frameshift predicted to result in premature protein truncation.

Baylor Genetics
Classification: Likely pathogenic for Familial cancer of breast. Last evaluated: 2023-09-09. Review status: criteria provided, single submitter. Criteria: ACMG Guidelines, 2015. Collection method: clinical testing. Allele origin: unknown.

Labcorp Genetics (formerly Invitae), Labcorp
Classification: Pathogenic for Ataxia-telangiectasia syndrome. Last evaluated: 2023-02-03. Review status: criteria provided, single submitter. Criteria: Invitae Variant Classification Sherloc (09022015). Collection method: clinical testing. Allele origin: germline.
Comment: This sequence change creates a premature translational stop signal (p.Ser2123Argfs*3) in the ATM gene. It is expected to result in an absent or disrupted protein product. Loss-of-function variants in ATM are known to be pathogenic (PMID: 23807571, 25614872). This variant is not present in population databases (gnomAD no frequency). This variant has not been reported in the literature in individuals affected with ATM-related conditions. ClinVar contains an entry for this variant (Variation ID: 479029). For these reasons, this variant has been classified as Pathogenic.

Literature cited by the submitters: PubMed 23807571 (cited by Labcorp Genetics (formerly Invitae), Labcorp); PubMed 25614872 (cited by Labcorp Genetics (formerly Invitae), Labcorp).

NM_000051.4(ATM):c.6369_6370del (p.Ser2123fs)

Genes: C11orf65 (chromosome 11 open reading frame 65; minus strand), ATM (ATM serine/threonine kinase; plus strand). Cytogenetic location: 11q22.3.
Variant type: Deletion.
Coding change: c.6369_6370del on transcript NM_000051.4 (MANE Select); coding-DNA positions 6369 to 6370, 2 bases deleted (TT; older notation c.6369_6370delTT).
Protein change: p.Ser2123fs; shifts the reading frame from serine 2123.
Molecular consequence: frameshift variant. On other transcripts: intron variant (2).
Genome position (GRCh38, 1-based): chr11:108,319,975-108,319,976, TT deleted. VCF-style (leftmost placement, unchanged base first): chr11-108319974-GTT-G. GRCh37 (hg19) VCF-style: chr11-108190701-GTT-G.
Other names: c.6369_6370delTT (NM_000051.4); c.6369_6370del, p.Ser2123fs (NM_001351834.2); c.641-10905_641-10904del (NM_001330368.2); c.*39-10905_*39-10904del (NM_001351110.2); short protein forms S2123fs.
Identifiers: ClinVar variation 479029 (VCV000479029.14), dbSNP rs1555116381, ClinGen allele CA658656219.